The following is an entry in ClinVar:

ClinVar aggregate classification (germline): Uncertain significance (1 of 4 stars; one submission).

Allele frequency attached by ClinVar (database versions not stated): gnomAD exomes below 0.00001.
gnomAD v4.1: 1 of 1,613,880 alleles (0.000062%); highest among the groups gnomAD compares: South Asian, 0.0011%; no homozygotes.

Submission:

Labcorp Genetics (formerly Invitae), Labcorp
Classification: Uncertain significance. Last evaluated: 2023-08-30. Review status: criteria provided, single submitter. Criteria: Invitae Variant Classification Sherloc (09022015). Collection method: clinical testing. Allele origin: germline.
Comment: This variant has not been reported in the literature in individuals affected with SOX11-related conditions. This variant is present in population databases (no rsID available, gnomAD 0.003%). This sequence change affects codon 45 of the SOX11 mRNA. It is a 'silent' change, meaning that it does not change the encoded amino acid sequence of the SOX11 protein. ClinVar contains an entry for this variant (Variation ID: 2033760). In summary, the available evidence is currently insufficient to determine the role of this variant in disease. Therefore, it has been classified as a Variant of Uncertain Significance.

NM_003108.4(SOX11):c.135G>T (p.Ala45=)

Gene: SOX11 (SRY-box transcription factor 11; plus strand). Cytogenetic location: 2p25.2.
Variant type: single nucleotide variant.
Coding change: c.135G>T on transcript NM_003108.4 (MANE Select); coding-DNA position 135, G replaced by T.
Protein change: p.Ala45=; no amino-acid change (alanine 45 retained).
Molecular consequence: synonymous variant.
Genome position (GRCh38, 1-based): chr2:5,692,856, G>T. VCF-style: chr2-5692856-G-T. GRCh37 (hg19) VCF-style: chr2-5832988-G-T.
Identifiers: ClinVar variation 2033760 (VCV002033760.4), dbSNP rs1175141588, ClinGen allele CA424762875.